The following is an entry in ClinVar:

ClinVar aggregate classification (germline): Uncertain significance. Review status: criteria provided, multiple submitters, no conflicts (2 of 4 stars). 5 submissions from 5 submitters: Uncertain significance (5). Last evaluated 2025-05-04.

Conditions:
Familial adenomatous polyposis 1 (FAP1). Also called: POLYPOSIS, ADENOMATOUS INTESTINAL; FAMILIAL ADENOMATOUS POLYPOSIS 1, ATTENUATED. Identifiers: MedGen C2713442, MONDO:0021056, OMIM 175100. Disease mechanism: loss of function.
Hereditary cancer-predisposing syndrome. Also called: Hereditary Cancer Syndrome; Neoplastic Syndromes, Hereditary; Tumor predisposition; Hereditary neoplastic syndrome. Identifiers: Orphanet 140162, MedGen C0027672, MeSH D009386, MONDO:0015356.
Classic or attenuated familial adenomatous polyposis. Identifiers: MedGen CN372698, MONDO:0021057.

Allele frequency attached by ClinVar (database versions not stated): gnomAD exomes 0.00001; ExAC 0.00002.
gnomAD v4.1: 13 of 1,614,112 alleles (0.00081%); highest among the groups gnomAD compares: Non-Finnish European, 0.0011%; no homozygotes.

Submissions (5):

Ambry Genetics
Classification: Uncertain significance for Hereditary cancer-predisposing syndrome. Last evaluated: 2025-05-04. Review status: criteria provided, single submitter. Criteria: Ambry Variant Classification Scheme 2023. Collection method: clinical testing. Allele origin: germline.
Comment: The p.K1468N variant (also known as c.4404G>C), located in coding exon 15 of the APC gene, results from a G to C substitution at nucleotide position 4404. The lysine at codon 1468 is replaced by asparagine, an amino acid with similar properties. This amino acid position is not well conserved in available vertebrate species. In addition, in silico predictors for this gene do not accurately predict pathogenicity. Missense alterations in APC are not a common cause of disease (Spier I et al. Genet Med. 2024 Feb;26(2):100992). Based on the available evidence, the clinical significance of this variant remains unclear.

Labcorp Genetics (formerly Invitae), Labcorp
Classification: Uncertain significance for Familial adenomatous polyposis 1. Last evaluated: 2024-09-30. Review status: criteria provided, single submitter. Criteria: Invitae Variant Classification Sherloc (09022015). Collection method: clinical testing. Allele origin: germline.
Comment: This sequence change replaces lysine, which is basic and polar, with asparagine, which is neutral and polar, at codon 1468 of the APC protein (p.Lys1468Asn). This variant is present in population databases (rs768449500, gnomAD 0.002%). This variant has not been reported in the literature in individuals affected with APC-related conditions. ClinVar contains an entry for this variant (Variation ID: 489451). Invitae Evidence Modeling of protein sequence and biophysical properties (such as structural, functional, and spatial information, amino acid conservation, physicochemical variation, residue mobility, and thermodynamic stability) indicates that this missense variant is not expected to disrupt APC protein function with a negative predictive value of 95%. In summary, the available evidence is currently insufficient to determine the role of this variant in disease. Therefore, it has been classified as a Variant of Uncertain Significance.

All of Us Research Program, National Institutes of Health
Classification: Uncertain significance for Classic or attenuated familial adenomatous polyposis. Last evaluated: 2024-09-11. Review status: criteria provided, single submitter. Criteria: ACMG Guidelines, 2015. Collection method: clinical testing. Allele origin: germline. Inheritance: Autosomal dominant inheritance. Observed: 5 variant alleles, 5 heterozygotes.
Comment: This missense variant replaces lysine with asparagine at codon 1468 of the APC protein. Computational prediction suggests that this variant may not impact protein structure and function (internally defined REVEL score threshold <= 0.5, PMID: 27666373). To our knowledge, functional studies have not been reported for this variant. This variant has not been reported in individuals affected with APC-related disorders in the literature. This variant has been identified in 2/251150 chromosomes in the general population by the Genome Aggregation Database (gnomAD). The available evidence is insufficient to determine the role of this variant in disease conclusively. Therefore, this variant is classified as a Variant of Uncertain Significance.

This study involves interpretation of variants in research participants for the purpose of population health screening. Participant phenotype was not available at the time of variant classification. Additional details can be found in publication PMID: 35346344, PMCID: PMC8962531

GeneDx
Classification: Uncertain significance. Last evaluated: 2024-02-05. Review status: criteria provided, single submitter. Criteria: GeneDx Variant Classification Process June 2021. Collection method: clinical testing. Allele origin: germline. Affected: yes.
Comment: Not observed at significant frequency in large population cohorts (gnomAD); In silico analysis supports that this missense variant does not alter protein structure/function; Has not been previously published as pathogenic or benign to our knowledge; This variant is associated with the following publications: (PMID: 18199528)

Color Diagnostics, LLC DBA Color Health
Classification: Uncertain significance for Hereditary cancer-predisposing syndrome. Last evaluated: 2023-08-23. Review status: criteria provided, single submitter. Criteria: ACMG Guidelines, 2015. Collection method: clinical testing. Allele origin: germline.
Comment: This missense variant replaces lysine with asparagine at codon 1468 of the APC protein. Computational prediction suggests that this variant may not impact protein structure and function (internally defined REVEL score threshold <= 0.5, PMID: 27666373). To our knowledge, functional studies have not been reported for this variant. This variant has not been reported in individuals affected with APC-related disorders in the literature. This variant has been identified in 2/251150 chromosomes in the general population by the Genome Aggregation Database (gnomAD). The available evidence is insufficient to determine the role of this variant in disease conclusively. Therefore, this variant is classified as a Variant of Uncertain Significance.

NM_000038.6(APC):c.4404G>C (p.Lys1468Asn)

Gene: APC (APC regulator of Wnt signaling pathway; plus strand). Cytogenetic location: 5q22.2.
Variant type: single nucleotide variant.
Coding change: c.4404G>C on transcript NM_000038.6 (MANE Select); coding-DNA position 4404, G replaced by C.
Protein change: p.Lys1468Asn; replaces lysine 1468 with asparagine.
Molecular consequence: missense variant.
Genome position (GRCh38, 1-based): chr5:112,839,998, G>C. VCF-style: chr5-112839998-G-C. GRCh37 (hg19) VCF-style: chr5-112175695-G-C.
Other names: c.4404G>C, p.Lys1468Asn (NM_001127510.3, NM_001354895.2); c.4350G>C, p.Lys1450Asn (NM_001127511.3); c.4458G>C, p.Lys1486Asn (NM_001354896.2); c.4434G>C, p.Lys1478Asn (NM_001354897.2); c.4329G>C, p.Lys1443Asn (NM_001354898.2); c.4320G>C, p.Lys1440Asn (NM_001354899.2); c.4281G>C, p.Lys1427Asn (NM_001354900.2); c.4227G>C, p.Lys1409Asn (NM_001354901.2); and 5 more; short protein forms K1450N, K1468N, K1185N, K1308N, K1342N, K1409N, K1440N, K1443N.
Identifiers: ClinVar variation 489451 (VCV000489451.23), dbSNP rs768449500, ClinGen allele CA038984.
Genomic context (GRCh38, chr5:112,839,998, plus strand): 5'-CAAGCGAGAAGTACCTAAAAATAAAGCACCTACTGCTGAAAAGAGAGAGAGTGGACCTAA[G>C]CAAGCTGCAGTAAATGCTGCAGTTCAGAGGGTCCAGGTTCTTCCAGATGCTGATACTTTA-3'
Protein context (NP_000029.2, residues 1458-1478): PTAEKRESGP[Lys1468Asn]QAAVNAAVQR